The following is an entry in ClinVar:

NM_000432.4(MYL2):c.463C>T (p.Leu155=)

Gene: MYL2 (myosin light chain 2; minus strand). Cytogenetic location: 12q24.11.
Variant type: single nucleotide variant.
Coding change: c.463C>T on transcript NM_000432.4 (MANE Select); coding-DNA position 463, C replaced by T.
Protein change: p.Leu155=; no amino-acid change (leucine 155 retained).
Molecular consequence: synonymous variant.
Genome position (GRCh38, 1-based): chr12:110,911,115, G>A on the plus strand (C>T on the coding strand, the complement: MYL2 is on the minus strand). VCF-style: chr12-110911115-G-A. GRCh37 (hg19) VCF-style: chr12-111348919-G-A.
Identifiers: ClinVar variation 1171794 (VCV001171794.5), dbSNP rs1592798503, ClinGen allele CA481750717.

ClinVar aggregate classification (germline): Likely benign. Review status: criteria provided, multiple submitters, no conflicts (2 of 4 stars). 3 submissions from 3 submitters: Likely benign (3). Last evaluated 2023-05-04.

Conditions:
Cardiovascular phenotype. Identifiers: MedGen CN230736.
Hypertrophic cardiomyopathy. Also called: HYPERTROPHIC MYOCARDIOPATHY. Identifiers: Orphanet 217569, MedGen C0007194, MeSH D002312, MONDO:0005045, HP:0001639.
Cardiomyopathy (CMYO). Also called: Cardiomyopathies. Identifiers: Orphanet 167848, MedGen C0878544, MONDO:0004994, HP:0001638. Inheritance: Various modes of inheritance.

Submissions (3):

All of Us Research Program, National Institutes of Health
Classification: Likely benign for Hypertrophic cardiomyopathy. Last evaluated: 2023-05-04. Review status: criteria provided, single submitter. Criteria: ACMG Guidelines, 2015. Collection method: clinical testing. Allele origin: germline. Inheritance: Autosomal dominant inheritance. Observed: 1 variant allele, 1 heterozygote.
Comment: This study involves interpretation of variants in research participants for the purpose of population health screening. Participant phenotype was not available at the time of variant classification. Additional details can be found in publication PMID: 35346344, PMCID: PMC8962531

Ambry Genetics
Classification: Likely benign for Cardiovascular phenotype. Last evaluated: 2021-01-24. Review status: criteria provided, single submitter. Criteria: Ambry Variant Classification Scheme 2023. Collection method: clinical testing. Allele origin: germline.

Color Diagnostics, LLC DBA Color Health
Classification: Likely benign for Cardiomyopathy. Last evaluated: 2020-12-08. Review status: criteria provided, single submitter. Criteria: ACMG Guidelines, 2015. Collection method: clinical testing. Allele origin: germline.